The following is an entry in ClinVar:

ClinVar aggregate classification (germline): Uncertain significance. Review status: criteria provided, multiple submitters, no conflicts (2 of 4 stars). 3 submissions from 3 submitters: Uncertain significance (3). Last evaluated 2025-01-21.

Conditions:
Inborn genetic diseases. Identifiers: MedGen C0950123, MeSH D030342.
Cortical dysplasia-focal epilepsy syndrome (PTHSL1). Also called: Pitt-Hopkins-like syndrome 1. Identifiers: Orphanet 163681, Orphanet 221150, MedGen C2750246, MONDO:0012400, OMIM 610042.

Allele frequency attached by ClinVar (database versions not stated): gnomAD exomes below 0.00001.
gnomAD v4.1: 7 of 1,614,126 alleles (0.00043%); highest among the groups gnomAD compares: Admixed American, 0.0017%; no homozygotes.

Submissions (3):

Ambry Genetics
Classification: Uncertain significance for Inborn genetic diseases. Last evaluated: 2025-01-21. Review status: criteria provided, single submitter. Criteria: Ambry Variant Classification Scheme 2023. Collection method: clinical testing. Allele origin: germline.

Labcorp Genetics (formerly Invitae), Labcorp
Classification: Uncertain significance for Cortical dysplasia-focal epilepsy syndrome. Last evaluated: 2021-08-30. Review status: criteria provided, single submitter. Criteria: Invitae Variant Classification Sherloc (09022015). Collection method: clinical testing. Allele origin: germline.
Comment: This sequence change replaces aspartic acid with glutamic acid at codon 130 of the CNTNAP2 protein (p.Asp130Glu). The aspartic acid residue is weakly conserved and there is a small physicochemical difference between aspartic acid and glutamic acid. This variant is not present in population databases (ExAC no frequency). This variant has not been reported in the literature in individuals affected with CNTNAP2-related conditions. Algorithms developed to predict the effect of missense changes on protein structure and function are either unavailable or do not agree on the potential impact of this missense change (SIFT: "Deleterious"; PolyPhen-2: "Benign"; Align-GVGD: "Class C0"). In summary, the available evidence is currently insufficient to determine the role of this variant in disease. Therefore, it has been classified as a Variant of Uncertain Significance.

GeneDx
Classification: Uncertain significance. Last evaluated: 2019-04-26. Review status: criteria provided, single submitter. Criteria: GeneDx Variant Classification Process June 2021. Collection method: clinical testing. Allele origin: germline. Affected: yes.
Comment: Not observed at a significant frequency in large population cohorts (Lek et al., 2016); In silico analysis, which includes protein predictors and evolutionary conservation, supports that this variant does not alter protein structure/function; Has not been previously published as pathogenic or benign to our knowledge

NM_014141.6(CNTNAP2):c.390T>A (p.Asp130Glu)

Gene: CNTNAP2 (contactin associated protein 2; plus strand). Cytogenetic location: 7q35.
Variant type: single nucleotide variant.
Coding change: c.390T>A on transcript NM_014141.6 (MANE Select); coding-DNA position 390, T replaced by A.
Protein change: p.Asp130Glu; replaces aspartic acid 130 with glutamic acid.
Molecular consequence: missense variant.
Genome position (GRCh38, 1-based): chr7:146,839,892, T>A. VCF-style: chr7-146839892-T-A. GRCh37 (hg19) VCF-style: chr7-146536984-T-A.
Other names: short protein forms D130E.
Identifiers: ClinVar variation 1320894 (VCV001320894.7), dbSNP rs1413930857, ClinGen allele CA369922865.